The following is an entry in ClinVar:

NM_001375808.2(LPIN2):c.2088G>A (p.Lys696=)

Gene: LPIN2 (lipin 2; minus strand). Cytogenetic location: 18p11.31.
Variant type: single nucleotide variant.
Coding change: c.2088G>A on transcript NM_001375808.2 (MANE Select); coding-DNA position 2088, G replaced by A.
Protein change: p.Lys696=; no amino-acid change (lysine 696 retained).
Molecular consequence: synonymous variant.
Genome position (GRCh38, 1-based): chr18:2,923,861, C>T on the plus strand (G>A on the coding strand, the complement: LPIN2 is on the minus strand). VCF-style: chr18-2923861-C-T. GRCh37 (hg19) VCF-style: chr18-2923859-C-T.
Other names: c.2088G>A, p.Lys696= (NM_001375809.1, NM_014646.2).
Identifiers: ClinVar variation 468455 (VCV000468455.7), dbSNP rs778440902, ClinGen allele CA8872846.
Genomic context (GRCh38, chr18:2,923,861, plus strand): 5'-TATACCCTGGTGGGTCCAGTCTTTGCCCAGCTGTGGGAGAATCTGTCCCAAAGCATCCGA[C>T]CTAAGAAGACGGTAGAAACAGGAAAAGCTATCAGGAATCAAACACATACAGCGTTTTCCT-3'
Protein context (NP_001362737.1, residues 686-706): IISDIDGTIT[Lys696=]SDALGQILPQ

ClinVar aggregate classification (germline): Conflicting classifications of pathogenicity. Review status: criteria provided, conflicting classifications (1 of 4 stars). 2 submissions from 2 submitters: Uncertain significance (1); Likely benign (1). Last evaluated 2024-10-07.

Conditions:
Inborn genetic diseases. Identifiers: MedGen C0950123, MeSH D030342.
Majeed syndrome (MJDS). Also called: CHRONIC RECURRENT MULTIFOCAL OSTEOMYELITIS 1, WITH CONGENITAL DYSERYTHROPOIETIC ANEMIA, WITH OR WITHOUT NEUTROPHILIC DERMATOSIS; LPIN2-Related Majeed Syndrome. Identifiers: Orphanet 77297, MedGen C1864997, MONDO:0012316, OMIM 609628.

Allele frequency attached by ClinVar (database versions not stated): TOPMed 0.00003; ExAC 0.00006.
gnomAD v4.1: 19 of 1,613,670 alleles (0.0012%); highest among the groups gnomAD compares: Admixed American, 0.03%; 1 homozygote.

Submissions (2):

Ambry Genetics
Classification: Likely benign for Inborn genetic diseases. Last evaluated: 2024-10-07. Review status: criteria provided, single submitter. Criteria: Ambry Variant Classification Scheme 2023. Collection method: clinical testing. Allele origin: germline.

Labcorp Genetics (formerly Invitae), Labcorp
Classification: Uncertain significance for Majeed syndrome. Last evaluated: 2022-07-25. Review status: criteria provided, single submitter. Criteria: Invitae Variant Classification Sherloc (09022015). Collection method: clinical testing. Allele origin: germline.
Comment: This sequence change affects codon 696 of the LPIN2 mRNA. It is a 'silent' change, meaning that it does not change the encoded amino acid sequence of the LPIN2 protein. It affects a nucleotide within the consensus splice site. This variant is present in population databases (rs778440902, gnomAD 0.04%), including at least one homozygous and/or hemizygous individual. This variant has not been reported in the literature in individuals affected with LPIN2-related conditions. ClinVar contains an entry for this variant (Variation ID: 468455). Algorithms developed to predict the effect of sequence changes on RNA splicing suggest that this variant is not likely to affect RNA splicing. In summary, the available evidence is currently insufficient to determine the role of this variant in disease. Therefore, it has been classified as a Variant of Uncertain Significance.